The following is an entry in ClinVar:

ClinVar aggregate classification (germline): Pathogenic (1 of 4 stars; one submission).

Submission:

GeneDx
Classification: Pathogenic. Last evaluated: 2024-06-08. Review status: criteria provided, single submitter. Criteria: GeneDx Variant Classification Process June 2021. Collection method: clinical testing. Allele origin: germline. Affected: yes.
Comment: Nonsense variant predicted to result in protein truncation or nonsense mediated decay in a gene for which loss of function is a known mechanism of disease; Located in the A-band region of TTN in which the majority of loss of function variants have been associated with autosomal dominant titinopathies (PMID: 22335739); Not observed at significant frequency in large population cohorts (gnomAD); Has not been previously published as pathogenic or benign to our knowledge; This variant is associated with the following publications: (PMID: 22335739)

NM_001267550.2(TTN):c.63139G>T (p.Gly21047Ter)

Genes: TTN (titin; minus strand), TTN-AS1 (TTN antisense RNA 1; plus strand). Cytogenetic location: 2q31.2.
Variant type: single nucleotide variant.
Coding change: c.63139G>T on transcript NM_001267550.2 (MANE Select); coding-DNA position 63139, G replaced by T.
Protein change: p.Gly21047Ter; replaces glycine 21047 with a stop codon.
Molecular consequence: nonsense.
Genome position (GRCh38, 1-based): chr2:178,588,586, C>A on the plus strand (G>T on the coding strand, the complement: TTN is on the minus strand). VCF-style: chr2-178588586-C-A. GRCh37 (hg19) VCF-style: chr2-179453313-C-A.
Other names: c.58216G>T, p.Gly19406Ter (NM_001256850.1); c.35944G>T, p.Gly11982Ter (NM_003319.4); c.55435G>T, p.Gly18479Ter (NM_133378.4); c.36319G>T, p.Gly12107Ter (NM_133432.3); c.36520G>T, p.Gly12174Ter (NM_133437.4); short protein forms G11982*, G12107*, G12174*, G18479*, G19406*, G21047*.
Identifiers: ClinVar variation 3390587 (VCV003390587.1).